The following is an entry in ClinVar:

NM_001364905.1(LRBA):c.4231A>T (p.Ile1411Phe)

Gene: LRBA (LPS responsive beige-like anchor protein; minus strand). Cytogenetic location: 4q31.3.
Variant type: single nucleotide variant.
Coding change: c.4231A>T on transcript NM_001364905.1 (MANE Select); coding-DNA position 4231, A replaced by T.
Protein change: p.Ile1411Phe; replaces isoleucine 1411 with phenylalanine.
Molecular consequence: missense variant.
Genome position (GRCh38, 1-based): chr4:150,848,926, T>A on the plus strand (A>T on the coding strand, the complement: LRBA is on the minus strand). VCF-style: chr4-150848926-T-A. GRCh37 (hg19) VCF-style: chr4-151770078-T-A.
Other names: c.4231A>T, p.Ile1411Phe (NM_001199282.3, NM_001367550.1, NM_006726.5); short protein forms I1411F.
Identifiers: ClinVar variation 936836 (VCV000936836.10), dbSNP rs953278509, ClinGen allele CA358453292.

ClinVar aggregate classification (germline): Uncertain significance. Review status: criteria provided, multiple submitters, no conflicts (2 of 4 stars). 2 submissions from 2 submitters: Uncertain significance (2). Last evaluated 2025-10-07.

Conditions:
Combined immunodeficiency due to LRBA deficiency. Also called: Common variable immunodeficiency 8, with autoimmunity. Identifiers: Orphanet 445018, MedGen C3553512, MONDO:0013863, OMIM 614700.
Inborn genetic diseases. Identifiers: MedGen C0950123, MeSH D030342.

Allele frequency attached by ClinVar (database versions not stated): gnomAD 0.00001; TOPMed 0.00001.
gnomAD v4.1: 1 of 1,612,762 alleles (0.000062%); highest among the groups gnomAD compares: Non-Finnish European, 0.000085%; no homozygotes.

Submissions (2):

Ambry Genetics
Classification: Uncertain significance for Inborn genetic diseases. Last evaluated: 2025-10-07. Review status: criteria provided, single submitter. Criteria: Ambry Variant Classification Scheme 2023. Collection method: clinical testing. Allele origin: germline.

Labcorp Genetics (formerly Invitae), Labcorp
Classification: Uncertain significance for Combined immunodeficiency due to LRBA deficiency. Last evaluated: 2025-03-01. Review status: criteria provided, single submitter. Criteria: Invitae Variant Classification Sherloc (09022015). Collection method: clinical testing. Allele origin: germline.
Comment: This sequence change replaces isoleucine, which is neutral and non-polar, with phenylalanine, which is neutral and non-polar, at codon 1411 of the LRBA protein (p.Ile1411Phe). This variant is not present in population databases (gnomAD no frequency). This variant has not been reported in the literature in individuals affected with LRBA-related conditions. ClinVar contains an entry for this variant (Variation ID: 936836). Invitae Evidence Modeling of protein sequence and biophysical properties (such as structural, functional, and spatial information, amino acid conservation, physicochemical variation, residue mobility, and thermodynamic stability) indicates that this missense variant is not expected to disrupt LRBA protein function with a negative predictive value of 80%. In summary, the available evidence is currently insufficient to determine the role of this variant in disease. Therefore, it has been classified as a Variant of Uncertain Significance.